The following is an entry in ClinVar:

NM_007294.4(BRCA1):c.2996T>G (p.Leu999Arg)

Gene: BRCA1 (BRCA1 DNA repair associated; minus strand). Cytogenetic location: 17q21.31.
Variant type: single nucleotide variant.
Coding change: c.2996T>G on transcript NM_007294.4 (MANE Select); coding-DNA position 2996, T replaced by G.
Protein change: p.Leu999Arg; replaces leucine 999 with arginine.
Molecular consequence: missense variant. On other transcripts: intron variant (137).
Genome position (GRCh38, 1-based): chr17:43,092,535, A>C on the plus strand (T>G on the coding strand, the complement: BRCA1 is on the minus strand). VCF-style: chr17-43092535-A-C. GRCh37 (hg19) VCF-style: chr17-41244552-A-C.
Other names: c.2918T>G, p.Leu973Arg (NM_001407655.1, NM_001407656.1, NM_001407657.1 and 4 more transcripts); c.2915T>G, p.Leu972Arg (NM_001407659.1, NM_001407660.1, NM_001407661.1 and 1 more transcripts); c.2873T>G, p.Leu958Arg (NM_001407664.1, NM_001407665.1, NM_001407666.1 and 19 more transcripts); c.2870T>G, p.Leu957Arg (NM_001407670.1, NM_001407671.1, NM_001407672.1 and 11 more transcripts); c.2996T>G, p.Leu999Arg (NM_001407684.1, NM_001407854.1, NM_001407858.1 and 30 more transcripts); c.2855T>G, p.Leu952Arg (NM_001407692.1, NM_001407694.1, NM_001407695.1 and 29 more transcripts); c.2852T>G, p.Leu951Arg (NM_001407740.1, NM_001407741.1, NM_001407742.1 and 20 more transcripts); c.2783T>G, p.Leu928Arg (NM_001407853.1, NM_001407894.1, NM_001407895.1 and 9 more transcripts); and 41 more; short protein forms L999R, L952R, L703R, L871R, L872R, L929R, L932R, L996R.
Identifiers: ClinVar variation 232042 (VCV000232042.17), dbSNP rs876659514, ClinGen allele CA10580584.

ClinVar aggregate classification (germline): Conflicting classifications of pathogenicity. Review status: criteria provided, conflicting classifications (1 of 4 stars). 3 submissions from 3 submitters: Uncertain significance (2); Likely benign (1). Last evaluated 2024-08-20.

Conditions:
Hereditary cancer-predisposing syndrome. Also called: Neoplastic Syndromes, Hereditary; Tumor predisposition; Hereditary Cancer Syndrome; Hereditary neoplastic syndrome. Identifiers: Orphanet 140162, MedGen C0027672, MeSH D009386, MONDO:0015356.
Hereditary breast ovarian cancer syndrome. Also called: BRCA1- and BRCA2-Associated Hereditary Breast and Ovarian Cancer; Hereditary breast and ovarian cancer syndrome; Hereditary breast and ovarian cancer; Hereditary breast and ovarian cancer syndrome (HBOC); Breast and ovarian cancer; Hereditary breast and/or ovarian cancer syndrome. Identifiers: Orphanet 145, MedGen C0677776, MeSH D061325, MONDO:0003582. Disease mechanism: loss of function.

Submissions (3):

Ambry Genetics
Classification: Uncertain significance for Hereditary cancer-predisposing syndrome. Last evaluated: 2024-08-20. Review status: criteria provided, single submitter. Criteria: Ambry Variant Classification Scheme 2023. Collection method: clinical testing. Allele origin: germline.
Comment: The p.L999R variant (also known as c.2996T>G), located in coding exon 9 of the BRCA1 gene, results from a T to G substitution at nucleotide position 2996. The leucine at codon 999 is replaced by arginine, an amino acid with dissimilar properties. This amino acid position is poorly conserved in available vertebrate species. In addition, this alteration is predicted to be tolerated by in silico analysis. Based on the available evidence, the clinical significance of this variant remains unclear.

University of Washington Department of Laboratory Medicine, University of Washington
Classification: Likely benign for Hereditary cancer-predisposing syndrome. Last evaluated: 2023-03-23. Review status: criteria provided, single submitter. Criteria: Dines et al. (Genet Med. 2020). Collection method: curation. Allele origin: germline.
Comment: Missense variant in a coldspot region where missense variants are very unlikely to be pathogenic (PMID:31911673).

BRCA1 coldspot (exon 11 using historical exon numbering). Reclassification based on statistical prior probability

Labcorp Genetics (formerly Invitae), Labcorp
Classification: Uncertain significance for Hereditary breast ovarian cancer syndrome. Last evaluated: 2022-04-19. Review status: criteria provided, single submitter. Criteria: Invitae Variant Classification Sherloc (09022015). Collection method: clinical testing. Allele origin: germline.
Comment: This variant has not been reported in the literature in individuals affected with BRCA1-related conditions. This variant is not present in population databases (gnomAD no frequency). This sequence change replaces leucine, which is neutral and non-polar, with arginine, which is basic and polar, at codon 999 of the BRCA1 protein (p.Leu999Arg). In summary, the available evidence is currently insufficient to determine the role of this variant in disease. Therefore, it has been classified as a Variant of Uncertain Significance. Advanced modeling of protein sequence and biophysical properties (such as structural, functional, and spatial information, amino acid conservation, physicochemical variation, residue mobility, and thermodynamic stability) performed at Invitae indicates that this missense variant is not expected to disrupt BRCA1 protein function. ClinVar contains an entry for this variant (Variation ID: 232042).